The following is an entry in ClinVar:

NM_000179.3(MSH6):c.3111del (p.Tyr1038fs)

Gene: MSH6 (mutS homolog 6; plus strand). Cytogenetic location: 2p16.3.
Variant type: Deletion.
Coding change: c.3111del on transcript NM_000179.3 (MANE Select); coding-DNA position 3111, one base deleted (C; older notation c.3111delC).
Protein change: p.Tyr1038fs; shifts the reading frame from tyrosine 1038.
Molecular consequence: frameshift variant. On other transcripts: non-coding transcript variant (5), intron variant (2).
Genome position (GRCh38, 1-based): chr2:47,801,094, C deleted. VCF-style (leftmost placement, unchanged base first): chr2-47801093-TC-T. GRCh37 (hg19) VCF-style: chr2-48028232-TC-T.
Other names: c.2721del, p.Tyr908fs (NM_001281492.2); c.2205del, p.Tyr736fs (NM_001281493.2, NM_001281494.2, NM_001406811.1 and 6 more transcripts); c.3207del, p.Tyr1070fs (NM_001406795.1, NM_001406802.1); c.3111del, p.Tyr1038fs (NM_001406796.1, NM_001406798.1, NM_001406800.1 and 2 more transcripts); c.2814del, p.Tyr939fs (NM_001406797.1, NM_001406801.1, NM_001406805.1 and 10 more transcripts); c.2586del, p.Tyr863fs (NM_001406799.1, NM_001406806.1, NM_001406807.1); c.3033del, p.Tyr1012fs (NM_001406804.1); c.3117del, p.Tyr1040fs (NM_001406813.1); and 4 more; short protein forms Y1012fs, Y1038fs, Y1040fs, Y1070fs, Y353fs, Y736fs, Y863fs, Y908fs.
Identifiers: ClinVar variation 2673681 (VCV002673681.1), dbSNP rs2530714386, ClinGen allele CA913203381.

ClinVar aggregate classification (germline): Pathogenic (1 of 4 stars; one submission).

Conditions:
Lynch syndrome 5 (LYNCH5). Also called: Colorectal cancer, hereditary nonpolyposis, type 5; Hereditary non-polyposis colorectal cancer, type 5. Identifiers: Orphanet 144, MedGen C1833477, MONDO:0013710, OMIM 614350. Disease mechanism: loss of function.

Submission:

Myriad Genetics, Inc.
Classification: Pathogenic for Lynch syndrome 5. Last evaluated: 2023-08-22. Review status: criteria provided, single submitter. Criteria: Myriad Autosomal Dominant, Autosomal Recessive and X-Linked Classification Criteria (2023). Collection method: clinical testing. Allele origin: unknown.
Comment: This variant is considered pathogenic. This variant creates a frameshift predicted to result in premature protein truncation.